The following is an entry in ClinVar:

NM_007294.4(BRCA1):c.974_986del (p.Lys325fs)

Gene: BRCA1 (BRCA1 DNA repair associated; minus strand). Cytogenetic location: 17q21.31.
Variant type: Deletion.
Coding change: c.974_986del on transcript NM_007294.4 (MANE Select); coding-DNA positions 974 to 986, 13 bases deleted (AGGAAACATGTAA).
Protein change: p.Lys325fs; shifts the reading frame from lysine 325.
Molecular consequence: frameshift variant. On other transcripts: intron variant (137).
Genome position (GRCh38, 1-based): chr17:43,094,545-43,094,557, TTACATGTTTCCT deleted on the plus strand (AGGAAACATGTAA on the coding strand, the reverse complement: BRCA1 is on the minus strand); deleting any 13 consecutive bases within chr17:43,094,545-43,094,558 gives the same sequence; the c. name uses the placement nearest the transcript's 3' end. VCF-style (leftmost placement, unchanged base first): chr17-43094544-ATTACATGTTTCCT-A. GRCh37 (hg19) VCF-style: chr17-41246561-ATTACATGTTTCCT-A.
Other names: c.638_650del, p.Lys213fs (NM_001407955.1, NM_001407956.1, NM_001407958.1 and 1 more transcripts); c.893_905del, p.Lys298fs (NM_001407660.1, NM_001407661.1, NM_001407662.1 and 1 more transcripts); c.641_653del, p.Lys214fs (NM_001407957.1, NM_001407946.1, NM_001407947.1 and 6 more transcripts); c.851_863del, p.Lys284fs (NM_001407667.1, NM_001407668.1, NM_001407664.1 and 19 more transcripts); c.593_605del, p.Lys198fs (NM_001407959.1, NM_001407960.1, NM_001407963.1); c.896_908del, p.Lys299fs (NM_001407663.1, NM_001407653.1, NM_001407654.1 and 4 more transcripts); c.590_602del, p.Lys197fs (NM_001407962.1); c.761_773del, p.Lys254fs (NM_001407571.1, NM_001407853.1, NM_001407894.1 and 9 more transcripts); and 40 more; short protein forms K237fs, K254fs, K278fs, K29fs, K197fs, K198fs, K213fs, K255fs.
Identifiers: ClinVar variation 4714172 (VCV004714172.1).

ClinVar aggregate classification (germline): Pathogenic (1 of 4 stars; one submission).

Conditions:
Hereditary breast ovarian cancer syndrome. Also called: BRCA1- and BRCA2-Associated Hereditary Breast and Ovarian Cancer; Breast and ovarian cancer; Hereditary breast and ovarian cancer syndrome; Hereditary breast and ovarian cancer syndrome (HBOC); Hereditary breast and/or ovarian cancer syndrome; Hereditary breast and ovarian cancer. Identifiers: Orphanet 145, MedGen C0677776, MeSH D061325, MONDO:0003582. Disease mechanism: loss of function.

Submission:

Labcorp Genetics (formerly Invitae), Labcorp
Classification: Pathogenic for Hereditary breast ovarian cancer syndrome. Last evaluated: 2025-04-27. Review status: criteria provided, single submitter. Criteria: Invitae Variant Classification Sherloc (09022015). Collection method: clinical testing. Allele origin: germline.
Comment: This sequence change creates a premature translational stop signal (p.Lys325Metfs*12) in the BRCA1 gene. It is expected to result in an absent or disrupted protein product. Loss-of-function variants in BRCA1 are known to be pathogenic (PMID: 20104584). This variant is not present in population databases (gnomAD no frequency). This variant has not been reported in the literature in individuals affected with BRCA1-related conditions. For these reasons, this variant has been classified as Pathogenic.

Literature cited by the submitters: PubMed 20104584.